The following is an entry in ClinVar:

ClinVar aggregate classification (germline): Likely benign. Review status: criteria provided, multiple submitters, no conflicts (2 of 4 stars). 5 submissions from 5 submitters: Likely benign (5). Last evaluated 2026-09-21.

Conditions:
Cardiovascular phenotype. Identifiers: MedGen CN230736.
Catecholaminergic polymorphic ventricular tachycardia 1. Also called: VENTRICULAR TACHYCARDIA, CATECHOLAMINERGIC POLYMORPHIC, 1, WITH OR WITHOUT ATRIAL DYSFUNCTION AND/OR DILATED CARDIOMYOPATHY; VENTRICULAR TACHYCARDIA, STRESS-INDUCED POLYMORPHIC 1; RYR2-Related Catecholaminergic Polymorphic Ventricular Tachycardia. Identifiers: Orphanet 3286, MedGen C1631597, MONDO:0011484, OMIM 604772.
Cardiomyopathy (CMYO). Also called: Cardiomyopathies. Identifiers: Orphanet 167848, MedGen C0878544, MONDO:0004994, HP:0001638. Inheritance: Various modes of inheritance.
Catecholaminergic polymorphic ventricular tachycardia (CVPT). Also called: Catecholamine-induced polymorphic ventricular tachycardia. Identifiers: Orphanet 3286, MedGen C5574922, MONDO:0017990.

Allele frequency attached by ClinVar (database versions not stated): gnomAD exomes 0.00001 and below 0.00001; TOPMed below 0.00001; ExAC 0.00002.
gnomAD v4.1: 5 of 1,613,692 alleles (0.00031%); highest among the groups gnomAD compares: South Asian, 0.0011%; no homozygotes.

Submissions (5):

Molecular Diagnostic Laboratory for Inherited Cardiovascular Disease, Montreal Heart Institute
Classification: Likely benign. Last evaluated: 2026-09-21. Review status: criteria provided, single submitter. Criteria: ACMG Guidelines, 2015. Collection method: clinical testing. Allele origin: germline. Affected: no.
Comment: BP7

Labcorp Genetics (formerly Invitae), Labcorp
Classification: Likely benign for Catecholaminergic polymorphic ventricular tachycardia 1. Last evaluated: 2025-02-05. Review status: criteria provided, single submitter. Criteria: Invitae Variant Classification Sherloc (09022015). Collection method: clinical testing. Allele origin: germline.

All of Us Research Program, National Institutes of Health
Classification: Likely benign for Catecholaminergic polymorphic ventricular tachycardia. Last evaluated: 2024-04-25. Review status: criteria provided, single submitter. Criteria: ACMG Guidelines, 2015. Collection method: clinical testing. Allele origin: germline. Inheritance: Autosomal dominant inheritance. Observed: 1 variant allele, 1 heterozygote.
Comment: This study involves interpretation of variants in research participants for the purpose of population health screening. Participant phenotype was not available at the time of variant classification. Additional details can be found in publication PMID: 35346344, PMCID: PMC8962531

Color Diagnostics, LLC DBA Color Health
Classification: Likely benign for Cardiomyopathy. Last evaluated: 2020-01-28. Review status: criteria provided, single submitter. Criteria: ACMG Guidelines, 2015. Collection method: clinical testing. Allele origin: germline.

Ambry Genetics
Classification: Likely benign for Cardiovascular phenotype. Last evaluated: 2019-10-29. Review status: criteria provided, single submitter. Criteria: Ambry Variant Classification Scheme 2023. Collection method: clinical testing. Allele origin: germline.

NM_001035.3(RYR2):c.7302C>T (p.Gly2434=)

Gene: RYR2 (ryanodine receptor 2; plus strand). Cytogenetic location: 1q43.
Variant type: single nucleotide variant.
Coding change: c.7302C>T on transcript NM_001035.3 (MANE Select); coding-DNA position 7302, C replaced by T.
Protein change: p.Gly2434=; no amino-acid change (glycine 2434 retained).
Molecular consequence: synonymous variant.
Genome position (GRCh38, 1-based): chr1:237,643,407, C>T. VCF-style: chr1-237643407-C-T. GRCh37 (hg19) VCF-style: chr1-237806707-C-T.
Identifiers: ClinVar variation 759398 (VCV000759398.14), dbSNP rs766592875, ClinGen allele CA087354.